The following is an entry in ClinVar:

ClinVar aggregate classification (germline): Pathogenic (1 of 4 stars; one submission).

Conditions:
Duchenne muscular dystrophy (DMD). Also called: MUSCULAR DYSTROPHY, PSEUDOHYPERTROPHIC PROGRESSIVE, DUCHENNE TYPE; Duchenne Muscular Dystrophy (DMD). Identifiers: Orphanet 98896, MedGen C0013264, MONDO:0010679, OMIM 310200.

Submission:

Labcorp Genetics (formerly Invitae), Labcorp
Classification: Pathogenic for Duchenne muscular dystrophy. Last evaluated: 2020-07-30. Review status: criteria provided, single submitter. Criteria: Invitae Variant Classification Sherloc (09022015). Collection method: clinical testing. Allele origin: germline.
Comment: This variant is an out-of-frame deletion of the genomic region encompassing exon(s) 34-43 of the DMD gene. This is expected to create a premature translational stop signal and result in an absent or disrupted protein product. This variant has been observed in individual(s) with Duchenne muscular dystrophy (PMID: 17259292). Loss-of-function variants in DMD are known to be pathogenic (PMID: 16770791, 25007885). For these reasons, this variant has been classified as Pathogenic.

Literature cited by the submitters: PubMed 17259292; PubMed 16770791; PubMed 25007885.

NC_000023.10:g.(?_32305636)_(32398808_?)del

Gene: DMD (dystrophin; minus strand). Cytogenetic location: Xp21.1.
Variant type: Deletion.
Identifiers: ClinVar variation 1075732 (VCV001075732.1).